The following is an entry in ClinVar:

ClinVar aggregate classification (germline): Uncertain significance. Review status: criteria provided, multiple submitters, no conflicts (2 of 4 stars). 2 submissions from 2 submitters: Uncertain significance (2). Last evaluated 2022-01-13.

Conditions:
Microcephaly-intellectual disability-sensorineural hearing loss-epilepsy-abnormal muscle tone syndrome (NEDHSB). Also called: NEURODEVELOPMENTAL DISORDER WITH HEARING LOSS, SEIZURES, AND BRAIN ABNORMALITIES. Identifiers: Orphanet 457351, MedGen C4225276, MONDO:0014698, OMIM 616577.

Submissions (2):

Labcorp Genetics (formerly Invitae), Labcorp
Classification: Uncertain significance for Microcephaly-intellectual disability-sensorineural hearing loss-epilepsy-abnormal muscle tone syndrome. Last evaluated: 2022-01-13. Review status: criteria provided, single submitter. Criteria: Invitae Variant Classification Sherloc (09022015). Collection method: clinical testing. Allele origin: germline.
Comment: In summary, the available evidence is currently insufficient to determine the role of this variant in disease. Therefore, it has been classified as a Variant of Uncertain Significance. Advanced modeling of protein sequence and biophysical properties (such as structural, functional, and spatial information, amino acid conservation, physicochemical variation, residue mobility, and thermodynamic stability) performed at Invitae indicates that this missense variant is not expected to disrupt SPATA5 protein function. ClinVar contains an entry for this variant (Variation ID: 1305481). This variant has not been reported in the literature in individuals affected with SPATA5-related conditions. This variant is not present in population databases (gnomAD no frequency). This sequence change replaces arginine, which is basic and polar, with lysine, which is basic and polar, at codon 878 of the SPATA5 protein (p.Arg878Lys).

GeneDx
Classification: Uncertain significance. Last evaluated: 2019-04-30. Review status: criteria provided, single submitter. Criteria: GeneDx Variant Classification Process June 2021. Collection method: clinical testing. Allele origin: germline. Affected: yes.
Comment: Not observed in large population cohorts (Lek et al., 2016); In silico analysis, which includes protein predictors and evolutionary conservation, supports that this variant does not alter protein structure/function; Has not been previously published as pathogenic or benign to our knowledge

NM_145207.3(AFG2A):c.2633G>A (p.Arg878Lys)

Gene: AFG2A (AAA ATPase AFG2A; plus strand). Cytogenetic location: 4q28.1.
Variant type: single nucleotide variant.
Coding change: c.2633G>A on transcript NM_145207.3 (MANE Select); coding-DNA position 2633, G replaced by A.
Protein change: p.Arg878Lys; replaces arginine 878 with lysine.
Molecular consequence: missense variant.
Genome position (GRCh38, 1-based): chr4:123,314,015, G>A. VCF-style: chr4-123314015-G-A. GRCh37 (hg19) VCF-style: chr4-124235170-G-A.
Other names: c.2630G>A, p.Arg877Lys (NM_001345856.2); short protein forms R877K, R878K.
Identifiers: ClinVar variation 1305481 (VCV001305481.8), dbSNP rs1744023792, ClinGen allele CA358228931.